The following is an entry in ClinVar:

ClinVar aggregate classification (germline): Likely benign. Review status: criteria provided, single submitter (1 of 4 stars). 2 submissions from 2 submitters: Likely benign (1). 1 of the submissions does not count toward it. Last evaluated 2025-10-27.

Conditions:
CSF2RB-related disorder. Also called: CSF2RB-related condition.

gnomAD v4.1: 73 of 1,612,222 alleles (0.0045%); highest among the groups gnomAD compares: Admixed American, 0.092%; 1 homozygote.

Submissions (2):

Labcorp Genetics (formerly Invitae), Labcorp
Classification: Likely benign. Last evaluated: 2025-10-27. Review status: criteria provided, single submitter. Criteria: Invitae Variant Classification Sherloc (09022015). Collection method: clinical testing. Allele origin: germline.

PreventionGenetics, part of Exact Sciences
Classification: Likely benign for CSF2RB-related condition. Last evaluated: 2019-07-03. Review status: no assertion criteria provided. Collection method: clinical testing. Allele origin: germline. Not counted in ClinVar's aggregate classification.
Comment: This variant is classified as likely benign based on ACMG/AMP sequence variant interpretation guidelines (Richards et al. 2015 PMID: 25741868, with internal and published modifications).

NM_000395.3(CSF2RB):c.1308C>T (p.Thr436=)

Gene: CSF2RB (colony stimulating factor 2 receptor subunit beta; plus strand). Cytogenetic location: 22q12.3.
Variant type: single nucleotide variant.
Coding change: c.1308C>T on transcript NM_000395.3 (MANE Select); coding-DNA position 1308, C replaced by T.
Protein change: p.Thr436=; no amino-acid change (threonine 436 retained).
Molecular consequence: synonymous variant.
Genome position (GRCh38, 1-based): chr22:36,933,987, C>T. VCF-style: chr22-36933987-C-T. GRCh37 (hg19) VCF-style: chr22-37330029-C-T.
Other names: c.1308C>T (NM_000395.2).
Identifiers: ClinVar variation 1609939 (VCV001609939.10), dbSNP rs756568774, ClinGen allele CA10213771.